The following is an entry in ClinVar:

ClinVar aggregate classification (germline): Pathogenic/Likely pathogenic. Review status: criteria provided, multiple submitters, no conflicts (2 of 4 stars). 4 submissions from 4 submitters: Pathogenic (1); Likely pathogenic (2). 1 of the submissions does not count toward it. Last evaluated 2026-08-06.

Conditions:
MTM1-related disorder. Also called: MTM1-related condition.
Severe X-linked myotubular myopathy (CNMX). Also called: Myotubular myopathy, X-linked; MYOTUBULAR MYOPATHY 1; X-linked centronuclear myopathy. Identifiers: Orphanet 596, MedGen C0410203, MONDO:0010683, OMIM 310400.

Submissions (4):

OLLIN Analises Genomicas, OLLIN
Classification: Likely pathogenic for Severe X-linked myotubular myopathy. Last evaluated: 2026-08-06. Review status: criteria provided, single submitter. Criteria: ACMG Guidelines 2015 PMID 25741868. Collection method: clinical testing. Allele origin: germline.
Comment: This missense variant, located in exon 11 (of 15), is absent from gnomAD but has been reported in ClinVar (accession VCV000011054.4) and in the scientific literature in individuals with MTM1 related disorders (PMID: 10900271, 9199578, 9305655, 10790201, 11793470, 33164942). Functional studies suggest that this variant may affect protein function, and in silico analysis predicts a deleterious effect (PMID: 10900271). According to the currently available evidence, this variant has been classified as likely pathogenic (PS3_P, PS4, PM2_P, PP3, PP4).

Blueprint Genetics
Classification: Likely pathogenic for MTM1-related disorders. Last evaluated: 2024-01-17. Review status: criteria provided, single submitter. Criteria: ACMG Guidelines, 2015. Collection method: clinical testing. Allele origin: germline. Affected: yes. Observed: 1 variant allele.

Labcorp Genetics (formerly Invitae), Labcorp
Classification: Pathogenic for Severe X-linked myotubular myopathy. Last evaluated: 2022-12-31. Review status: criteria provided, single submitter. Criteria: Invitae Variant Classification Sherloc (09022015). Collection method: clinical testing. Allele origin: germline.
Comment: This sequence change replaces tyrosine, which is neutral and polar, with cysteine, which is neutral and slightly polar, at codon 397 of the MTM1 protein (p.Tyr397Cys). This variant is not present in population databases (gnomAD no frequency). This missense change has been observed in individuals with X-linked myotubular myopathy (PMID: 9199578, 9305655, 10790201, 11793470, 33164942). This variant is also known as A1244G (Tyr415Cys). ClinVar contains an entry for this variant (Variation ID: 11054). Advanced modeling of protein sequence and biophysical properties (such as structural, functional, and spatial information, amino acid conservation, physicochemical variation, residue mobility, and thermodynamic stability) performed at Invitae indicates that this missense variant is expected to disrupt MTM1 protein function. Experimental studies have shown that this missense change affects MTM1 function (PMID: 10900271). For these reasons, this variant has been classified as Pathogenic.

OMIM
Classification: Pathogenic for MYOTUBULAR MYOPATHY, X-LINKED. Last evaluated: 1997-06-01. Review status: no assertion criteria provided. Collection method: literature only. Allele origin: germline. Not counted in ClinVar's aggregate classification.

Literature cited by the submitters: PubMed 10900271 (cited by OLLIN Analises Genomicas, OLLIN and Labcorp Genetics (formerly Invitae), Labcorp); PubMed 9199578 (cited by 3 submitters); PubMed 9305655 (cited by OLLIN Analises Genomicas, OLLIN and Labcorp Genetics (formerly Invitae), Labcorp); PubMed 10790201 (cited by OLLIN Analises Genomicas, OLLIN and Labcorp Genetics (formerly Invitae), Labcorp); PubMed 11793470 (cited by OLLIN Analises Genomicas, OLLIN and Labcorp Genetics (formerly Invitae), Labcorp); PubMed 33164942 (cited by OLLIN Analises Genomicas, OLLIN and Labcorp Genetics (formerly Invitae), Labcorp); PubMed 7611280 (cited by OMIM); PubMed 8640223 (cited by OMIM).

NM_000252.3(MTM1):c.1190A>G (p.Tyr397Cys)

Gene: MTM1 (myotubularin 1; plus strand). Cytogenetic location: Xq28.
Variant type: single nucleotide variant.
Coding change: c.1190A>G on transcript NM_000252.3 (MANE Select); coding-DNA position 1190, A replaced by G.
Protein change: p.Tyr397Cys; replaces tyrosine 397 with cysteine.
Molecular consequence: missense variant.
Genome position (GRCh38, 1-based): chrX:150,657,957, A>G. VCF-style: chrX-150657957-A-G. GRCh37 (hg19) VCF-style: chrX-149826430-A-G.
Other names: Y415C; c.1190A>G, p.Tyr397Cys (NM_001376906.1, NM_001376908.1); c.1079A>G, p.Tyr360Cys (NM_001376907.1); short protein forms Y397C, Y360C.
Identifiers: ClinVar variation 11054 (VCV000011054.6), dbSNP rs132630303, ClinGen allele CA255663.